The following is an entry in ClinVar:

NM_000213.5(ITGB4):c.513T>C (p.Phe171=)

Gene: ITGB4 (integrin subunit beta 4; plus strand). Cytogenetic location: 17q25.1.
Variant type: single nucleotide variant.
Coding change: c.513T>C on transcript NM_000213.5 (MANE Select); coding-DNA position 513, T replaced by C.
Protein change: p.Phe171=; no amino-acid change (phenylalanine 171 retained).
Molecular consequence: synonymous variant.
Genome position (GRCh38, 1-based): chr17:75,728,420, T>C. VCF-style: chr17-75728420-T-C. GRCh37 (hg19) VCF-style: chr17-73724501-T-C.
Other names: p.Phe171=; c.513T>C, p.Phe171= (NM_001005619.2, NM_001005731.3, NM_001321123.2).
Identifiers: ClinVar variation 325123 (VCV000325123.18), dbSNP rs148048907, ClinGen allele CA8768693.
Genomic context (GRCh38, chr17:75,728,420, plus strand): 5'-GTCCTTTTGACATCCAGCTCGGGTCCTGAGCCAGCTCACCAGCGACTACACTATTGGATT[T>C]GGCAAGTTTGTGGACAAAGTCAGCGTCCCGCAGACGGACATGAGGCCTGAGAAGTAAGTG-3'
Protein context (NP_000204.3, residues 161-181): SQLTSDYTIG[Phe171=]GKFVDKVSVP

ClinVar aggregate classification (germline): Benign/Likely benign. Review status: criteria provided, multiple submitters, no conflicts (2 of 4 stars). 6 submissions from 6 submitters: Benign (3); Likely benign (3). Last evaluated 2026-02-04.

Conditions:
Junctional epidermolysis bullosa with pyloric atresia. Also called: ITGB4-Related Epidermolysis Bullosa with Pyloric Atresia; ITGA6-Related Epidermolysis Bullosa with Pyloric Atresia; EPIDERMOLYSIS BULLOSA, JUNCTIONAL 5B, WITH PYLORIC ATRESIA; APLASIA CUTIS CONGENITA WITH GASTROINTESTINAL ATRESIA; CARMI SYNDROME; EB-PA-ACC. Identifiers: Orphanet 79403, MedGen C5676875, MONDO:0009183, OMIM 226730.
Epidermolysis bullosa, junctional 5A, intermediate. Also called: EPIDERMOLYSIS BULLOSA, JUNCTIONAL 5A, GENERALIZED INTERMEDIATE; EPIDERMOLYSIS BULLOSA, JUNCTIONAL 5A, NON-HERLITZ TYPE. Identifiers: MedGen C5676956, MONDO:0030768, OMIM 619816.

Allele frequency attached by ClinVar (database versions not stated): 1000 Genomes Project 0.01118; 1000 Genomes Project 30x 0.01202; TOPMed 0.01496; gnomAD 0.01622 and 0.01650; ESP Exome Variant Server 0.01668; ExAC 0.01686; gnomAD exomes 0.01759 and 0.01908.

Submissions (6):

Labcorp Genetics (formerly Invitae), Labcorp
Classification: Benign. Last evaluated: 2026-02-04. Review status: criteria provided, single submitter. Criteria: Invitae Variant Classification Sherloc (09022015). Collection method: clinical testing. Allele origin: germline.

Mayo Clinic Laboratories, Mayo Clinic
Classification: Benign. Last evaluated: 2023-03-29. Review status: criteria provided, single submitter. Criteria: ACMG Guidelines, 2015. Collection method: clinical testing. Allele origin: germline. Observed: 5 variant alleles.
Comment: BS1, BP4, BP7

Fulgent Genetics
Classification: Likely benign for Junctional epidermolysis bullosa with pyloric atresia; Epidermolysis bullosa, junctional 5A, intermediate. Last evaluated: 2021-08-09. Review status: criteria provided, single submitter. Criteria: ACMG Guidelines, 2015. Collection method: clinical testing. Allele origin: unknown.

GeneDx
Classification: Likely benign. Last evaluated: 2019-12-30. Review status: criteria provided, single submitter. Criteria: GeneDx Variant Classification Process June 2021. Collection method: clinical testing. Allele origin: germline. Affected: yes.

Illumina Laboratory Services, Illumina
Classification: Benign for Junctional epidermolysis bullosa with pyloric atresia. Last evaluated: 2018-01-13. Review status: criteria provided, single submitter. Criteria: ICSL Variant Classification Criteria 13 December 2019. Collection method: clinical testing. Allele origin: germline.
Comment: This variant was observed in the ICSL laboratory as part of a predisposition screen in an ostensibly healthy population. It had not been previously curated by ICSL or reported in the Human Gene Mutation Database (HGMD: prior to June 1st, 2018), and was therefore a candidate for classification through an automated scoring system. Utilizing variant allele frequency, disease prevalence and penetrance estimates, and inheritance mode, an automated score was calculated to assess if this variant is too frequent to cause the disease. Based on the score and internal cut-off values, a variant classified as benign is not then subjected to further curation. The score for this variant resulted in a classification of benign for this disease.

Breakthrough Genomics
Classification: Likely benign. Review status: criteria provided, single submitter. Criteria: ACMG Guidelines, 2015. Collection method: not provided. Allele origin: germline. Inheritance: Autosomal recessive inheritance. Affected: yes.